The following is an entry in ClinVar:

NM_004281.4(BAG3):c.372T>G (p.Thr124=)

Gene: BAG3 (BAG cochaperone 3; plus strand). Cytogenetic location: 10q26.11.
Variant type: single nucleotide variant.
Coding change: c.372T>G on transcript NM_004281.4 (MANE Select); coding-DNA position 372, T replaced by G.
Protein change: p.Thr124=; no amino-acid change (threonine 124 retained).
Molecular consequence: synonymous variant.
Genome position (GRCh38, 1-based): chr10:119,670,042, T>G. VCF-style: chr10-119670042-T-G. GRCh37 (hg19) VCF-style: chr10-121429554-T-G.
Identifiers: ClinVar variation 539164 (VCV000539164.11), dbSNP rs766084373, ClinGen allele CA5716306.

ClinVar aggregate classification (germline): Likely benign. Review status: criteria provided, multiple submitters, no conflicts (2 of 4 stars). 3 submissions from 3 submitters: Likely benign (2). 1 of the submissions does not count toward it. Last evaluated 2025-01-30.

Conditions:
Myofibrillar myopathy 6. Identifiers: Orphanet 199340, MedGen C2751831, MONDO:0013061, OMIM 612954.
Dilated cardiomyopathy 1HH (CMD1HH). Identifiers: Orphanet 154, MedGen C3151293, MONDO:0013479, OMIM 613881.
Cardiovascular phenotype. Identifiers: MedGen CN230736.
BAG3-related disorder. Also called: BAG3-related condition.

Allele frequency attached by ClinVar (database versions not stated): ExAC 0.00001; gnomAD 0.00001; gnomAD exomes 0.00001; TOPMed 0.00002.
gnomAD v4.1: 5 of 1,614,102 alleles (0.00031%); highest among the groups gnomAD compares: South Asian, 0.0011%; no homozygotes.

Submissions (3):

Labcorp Genetics (formerly Invitae), Labcorp
Classification: Likely benign for Dilated cardiomyopathy 1HH; Myofibrillar myopathy 6. Last evaluated: 2025-01-30. Review status: criteria provided, single submitter. Criteria: Invitae Variant Classification Sherloc (09022015). Collection method: clinical testing. Allele origin: germline.

Ambry Genetics
Classification: Likely benign for Cardiovascular phenotype. Last evaluated: 2024-08-19. Review status: criteria provided, single submitter. Criteria: Ambry Variant Classification Scheme 2023. Collection method: clinical testing. Allele origin: germline.

PreventionGenetics, part of Exact Sciences
Classification: Likely benign for BAG3-related condition. Last evaluated: 2019-08-12. Review status: no assertion criteria provided. Collection method: clinical testing. Allele origin: germline. Not counted in ClinVar's aggregate classification.
Comment: This variant is classified as likely benign based on ACMG/AMP sequence variant interpretation guidelines (Richards et al. 2015 PMID: 25741868, with internal and published modifications).